The following is an entry in ClinVar:

NM_000222.3(KIT):c.1447T>A (p.Phe483Ile)

Gene: KIT (KIT proto-oncogene, receptor tyrosine kinase; plus strand). Cytogenetic location: 4q12.
Variant type: single nucleotide variant.
Coding change: c.1447T>A on transcript NM_000222.3 (MANE Select); coding-DNA position 1447, T replaced by A.
Protein change: p.Phe483Ile; replaces phenylalanine 483 with isoleucine.
Molecular consequence: missense variant.
Genome position (GRCh38, 1-based): chr4:54,725,957, T>A. VCF-style: chr4-54725957-T-A. GRCh37 (hg19) VCF-style: chr4-55592123-T-A.
Other names: c.1447T>A, p.Phe483Ile (NM_001093772.2, NM_001385285.1, NM_001385286.1); c.1450T>A, p.Phe484Ile (NM_001385284.1, NM_001385288.1, NM_001385290.1 and 1 more transcripts); short protein forms F484I, F483I.
Identifiers: ClinVar variation 2861156 (VCV002861156.3), dbSNP rs2109769049, ClinGen allele CA356906413.
Genomic context (GRCh38, chr4:54,725,957, plus strand): 5'-AACTCATCTGGGCCACCGTTTGGAAAGCTAGTGGTTCAGAGTTCTATAGATTCTAGTGCA[T>A]TCAAGCACAATGGCACGGTTGAATGTAAGGCTTACAACGATGTGGGCAAGACTTCTGCCT-3'
Protein context (NP_000213.1, residues 473-493): VVQSSIDSSA[Phe483Ile]KHNGTVECKA

ClinVar aggregate classification (germline): Uncertain significance (1 of 4 stars; one submission).

Conditions:
Gastrointestinal stromal tumor. Also called: Gastrointestinal stromal tumor, somatic; Gastrointestinal stroma tumor. Identifiers: Orphanet 44890, MedGen C0238198, MeSH D046152, MONDO:0011719, OMIM 606764, HP:0100723.

Submission:

Labcorp Genetics (formerly Invitae), Labcorp
Classification: Uncertain significance for Gastrointestinal stromal tumor. Last evaluated: 2023-11-24. Review status: criteria provided, single submitter. Criteria: Invitae Variant Classification Sherloc (09022015). Collection method: clinical testing. Allele origin: germline.
Comment: This sequence change replaces phenylalanine, which is neutral and non-polar, with isoleucine, which is neutral and non-polar, at codon 483 of the KIT protein (p.Phe483Ile). This variant is not present in population databases (gnomAD no frequency). This variant has not been reported in the literature in individuals affected with KIT-related conditions. An algorithm developed to predict the effect of missense changes on protein structure and function (PolyPhen-2) suggests that this variant is likely to be tolerated. In summary, the available evidence is currently insufficient to determine the role of this variant in disease. Therefore, it has been classified as a Variant of Uncertain Significance.